The following is an entry in ClinVar:

NM_014140.4(SMARCAL1):c.812-2A>G

Gene: SMARCAL1 (SNF2 related chromatin remodeling annealing helicase 1; plus strand). Cytogenetic location: 2q35.
Variant type: single nucleotide variant.
Coding change: c.812-2A>G on transcript NM_014140.4 (MANE Select); the canonical splice acceptor site of the intron before coding-DNA position 812, A replaced by G.
Molecular consequence: splice acceptor variant.
Genome position (GRCh38, 1-based): chr2:216,416,255, A>G. VCF-style: chr2-216416255-A-G. GRCh37 (hg19) VCF-style: chr2-217280978-A-G.
Other names: c.812-2A>G (NM_001127207.2).
Identifiers: ClinVar variation 2840143 (VCV002840143.3), dbSNP rs1248072601, ClinGen allele CA350498111.

ClinVar aggregate classification (germline): Likely pathogenic (1 of 4 stars; one submission).

Conditions:
Schimke immuno-osseous dysplasia (SIOD). Also called: Schimke Immunoosseous Dysplasia. Identifiers: Orphanet 1830, MedGen C0877024, MONDO:0009458, OMIM 242900.

Allele frequency attached by ClinVar (database versions not stated): gnomAD exomes below 0.00001.
gnomAD v4.1: 1 of 1,613,388 alleles (0.000062%); highest among the groups gnomAD compares: Non-Finnish European, 0.000085%; no homozygotes.

Submission:

Labcorp Genetics (formerly Invitae), Labcorp
Classification: Likely pathogenic for Schimke immuno-osseous dysplasia. Last evaluated: 2023-11-13. Review status: criteria provided, single submitter. Criteria: Invitae Variant Classification Sherloc (09022015). Collection method: clinical testing. Allele origin: germline.
Comment: This sequence change affects an acceptor splice site in intron 3 of the SMARCAL1 gene. It is expected to disrupt RNA splicing. Variants that disrupt the donor or acceptor splice site typically lead to a loss of protein function (PMID: 16199547), and loss-of-function variants in SMARCAL1 are known to be pathogenic (PMID: 11799392, 20301550). This variant is present in population databases (no rsID available, gnomAD 0.0009%). This variant has not been reported in the literature in individuals affected with SMARCAL1-related conditions. Algorithms developed to predict the effect of sequence changes on RNA splicing suggest that this variant may disrupt the consensus splice site. In summary, the currently available evidence indicates that the variant is pathogenic, but additional data are needed to prove that conclusively. Therefore, this variant has been classified as Likely Pathogenic.

Literature cited by the submitters: PubMed 16199547; PubMed 11799392; PubMed 20301550.